The following is an entry in ClinVar:

NC_000004.11:g.(?_123813983)_(124177355_?)dup

Genes: AFG2A (AFG2 AAA ATPase homolog A; plus strand), FGF2 (fibroblast growth factor 2; plus strand), NUDT6 (nudix hydrolase 6; minus strand). Cytogenetic location: 4q28.1.
Variant type: Duplication.
Identifiers: ClinVar variation 3246691 (VCV003246691.1).

ClinVar aggregate classification (germline): Uncertain significance (1 of 4 stars; one submission).

Conditions:
Microcephaly-intellectual disability-sensorineural hearing loss-epilepsy-abnormal muscle tone syndrome (NEDHSB). Also called: NEURODEVELOPMENTAL DISORDER WITH HEARING LOSS, SEIZURES, AND BRAIN ABNORMALITIES. Identifiers: Orphanet 457351, MedGen C4225276, MONDO:0014698, OMIM 616577.

Submission:

Labcorp Genetics (formerly Invitae), Labcorp
Classification: Uncertain significance for Microcephaly-intellectual disability-sensorineural hearing loss-epilepsy-abnormal muscle tone syndrome. Last evaluated: 2023-12-05. Review status: criteria provided, single submitter. Criteria: Invitae Variant Classification Sherloc (09022015). Collection method: clinical testing. Allele origin: unknown.
Comment: This variant results in a copy number gain of the genomic region encompassing exon(s) 1-15 of the SPATA5 gene. This region includes the initiator codon of the gene. This copy number gain extends beyond the assayed region for this gene and therefore may encompass additional genes. As the precise location of this event is unknown, it may be in tandem or it may be located elsewhere in the genome. This variant has not been reported in the literature in individuals affected with SPATA5-related conditions. In summary, the available evidence is currently insufficient to determine the role of this variant in disease. Therefore, it has been classified as a Variant of Uncertain Significance.